The following is an entry in ClinVar:

ClinVar aggregate classification (germline): Conflicting classifications of pathogenicity. Review status: criteria provided, conflicting classifications (1 of 4 stars). 5 submissions from 5 submitters: Likely pathogenic (1); Uncertain significance (4). Last evaluated 2024-11-13.

Conditions:
CFTR-related disorder (CFTR-RD). Also called: CFTR-related disorders; CFTR-related condition. Identifiers: MedGen C5924204, MONDO:7770004.
Cystic fibrosis (CF). Also called: MUCOVISCIDOSIS. Identifiers: Orphanet 586, MedGen C0010674, MONDO:0009061, OMIM 219700. Disease mechanism: loss of function.

Submissions (5):

Natera, Inc.
Classification: Likely pathogenic for CFTR-related disorders. Last evaluated: 2024-11-13. Review status: criteria provided, single submitter. Criteria: Natera Variant Classification Schema (03/2026). Collection method: clinical testing. Allele origin: germline.
Comment: The c.464C>G variant in CFTR is a missense variant predicted to cause substitution of alanine to glycine at amino acid 155. This variant is rare in the general population with a frequency below the threshold expected for the associated phenotype(s). This variant has been observed in one or more individuals affected with the associated recessive disease, as either homozygous or compound heterozygous with a second variant (PMID: 35858753). This variant has been identified in one or more affected individuals with a phenotype highly consistent with the associated gene (PMID: 35858753). Computational prediction algorithms indicate this variant is likely to affect gene or protein function. Given the available evidence, this variant is classified as Likely Pathogenic.

Labcorp Genetics (formerly Invitae), Labcorp
Classification: Uncertain significance for Cystic fibrosis. Last evaluated: 2022-08-22. Review status: criteria provided, single submitter. Criteria: Invitae Variant Classification Sherloc (09022015). Collection method: clinical testing. Allele origin: germline.
Comment: This variant has not been reported in the literature in individuals affected with CFTR-related conditions. This variant is not present in population databases (gnomAD no frequency). This sequence change replaces alanine, which is neutral and non-polar, with glycine, which is neutral and non-polar, at codon 155 of the CFTR protein (p.Ala155Gly). ClinVar contains an entry for this variant (Variation ID: 439481). In summary, the available evidence is currently insufficient to determine the role of this variant in disease. Therefore, it has been classified as a Variant of Uncertain Significance. Algorithms developed to predict the effect of sequence changes on RNA splicing suggest that this variant may disrupt the consensus splice site. Algorithms developed to predict the effect of missense changes on protein structure and function are either unavailable or do not agree on the potential impact of this missense change (SIFT: "Deleterious"; PolyPhen-2: "Possibly Damaging"; Align-GVGD: "Class C0").

Genome-Nilou Lab
Classification: Uncertain significance for Cystic fibrosis. Last evaluated: 2021-09-05. Review status: criteria provided, single submitter. Criteria: ACMG Guidelines, 2015. Collection method: clinical testing. Allele origin: germline. Affected: no.

Women's Health and Genetics/Laboratory Corporation of America, LabCorp
Classification: Uncertain significance. Last evaluated: 2018-01-10. Review status: criteria provided, single submitter. Criteria: LabCorp Variant Classification Summary - May 2015. Collection method: clinical testing. Allele origin: germline.
Comment: Variant summary: The CFTR c.464C>G (p.Ala155Gly) variant involves the alteration of a conserved nucleotide that is located in the ABC transporter type 1, transmembrane domain (InterPro). 4/5 in silico tools predict a damaging outcome for this variant. This variant is absent in 244896 control chromosomes. One clinical diagnostic laboratory classified this variant as one of uncertain significance. The variant of interest has not, to our knowledge, been reported in affected individuals via publications and/or reputable databases/clinical diagnostic laboratories; nor evaluated for functional impact by in vivo/vitro studies. Because of the absence of clinical information and the lack of functional studies, the variant is classified as a variant of uncertain significance (VUS) until additional information becomes available.

ARUP Laboratories, Molecular Genetics and Genomics, ARUP Laboratories
Classification: Uncertain significance. Last evaluated: 2016-12-13. Review status: criteria provided, single submitter. Criteria: ARUP Molecular Germline Variant Investigation Process. Collection method: clinical testing. Allele origin: germline.

Literature cited by the submitters: PubMed 35858753 (cited by Natera, Inc.).

NM_000492.4(CFTR):c.464C>G (p.Ala155Gly)

Gene: CFTR (CF transmembrane conductance regulator; plus strand). Cytogenetic location: 7q31.2.
Variant type: single nucleotide variant.
Coding change: c.464C>G on transcript NM_000492.4 (MANE Select); coding-DNA position 464, C replaced by G.
Protein change: p.Ala155Gly; replaces alanine 155 with glycine.
Molecular consequence: missense variant.
Genome position (GRCh38, 1-based): chr7:117,531,089, C>G. VCF-style: chr7-117531089-C-G. GRCh37 (hg19) VCF-style: chr7-117171143-C-G.
Other names: short protein forms A155G.
Identifiers: ClinVar variation 439481 (VCV000439481.16), dbSNP rs1554379882, ClinGen allele CA368975035.